The following is an entry in ClinVar:

ClinVar aggregate classification (germline): Benign/Likely benign. Review status: criteria provided, multiple submitters, no conflicts (2 of 4 stars). 4 submissions from 4 submitters: Benign (1); Likely benign (3). Last evaluated 2026-08-10.

Conditions:
Tuberous sclerosis 2 (TSC2). Identifiers: Orphanet 805, MedGen C1860707, MONDO:0013199, OMIM 613254.
Hereditary cancer-predisposing syndrome. Also called: Tumor predisposition; Hereditary Cancer Syndrome; Neoplastic Syndromes, Hereditary; Hereditary neoplastic syndrome. Identifiers: Orphanet 140162, MedGen C0027672, MeSH D009386, MONDO:0015356.
Tuberous sclerosis syndrome (TSC). Also called: Tuberous Sclerosis Complex; Tuberous sclerosis. Identifiers: Orphanet 805, MedGen C0041341, MONDO:0001734.

Allele frequency attached by ClinVar (database versions not stated): gnomAD exomes below 0.00001.

Submissions (4):

Ambry Genetics
Classification: Likely benign for Hereditary cancer-predisposing syndrome. Last evaluated: 2026-08-10. Review status: criteria provided, single submitter. Criteria: Ambry Variant Classification Scheme 2023. Collection method: clinical testing. Allele origin: germline.

Labcorp Genetics (formerly Invitae), Labcorp
Classification: Likely benign for Tuberous sclerosis 2. Last evaluated: 2025-11-10. Review status: criteria provided, single submitter. Criteria: Invitae Variant Classification Sherloc (09022015). Collection method: clinical testing. Allele origin: germline.

Myriad Genetics, Inc.
Classification: Benign for Tuberous sclerosis 2. Last evaluated: 2025-05-16. Review status: criteria provided, single submitter. Criteria: Myriad Autosomal Dominant, Autosomal Recessive and X-Linked Classification Criteria (2023). Collection method: clinical testing. Allele origin: unknown.
Comment: This variant is considered benign. This variant is a silent/synonymous amino acid change and it is not expected to impact splicing.

All of Us Research Program, National Institutes of Health
Classification: Likely benign for Tuberous sclerosis syndrome. Last evaluated: 2023-06-26. Review status: criteria provided, single submitter. Criteria: ACMG Guidelines, 2015. Collection method: clinical testing. Allele origin: germline. Inheritance: Autosomal dominant inheritance. Observed: 1 variant allele, 1 heterozygote.
Comment: This study involves interpretation of variants in research participants for the purpose of population health screening. Participant phenotype was not available at the time of variant classification. Additional details can be found in publication PMID: 35346344, PMCID: PMC8962531

NM_000548.5(TSC2):c.2061C>A (p.Ser687=)

Gene: TSC2 (TSC complex subunit 2; plus strand). Cytogenetic location: 16p13.3.
Variant type: single nucleotide variant.
Coding change: c.2061C>A on transcript NM_000548.5 (MANE Select); coding-DNA position 2061, C replaced by A.
Protein change: p.Ser687=; no amino-acid change (serine 687 retained).
Molecular consequence: synonymous variant.
Genome position (GRCh38, 1-based): chr16:2,071,898, C>A. VCF-style: chr16-2071898-C-A. GRCh37 (hg19) VCF-style: chr16-2121899-C-A.
Other names: c.2061C>A, p.Ser687= (NM_001077183.3, NM_001114382.3, NM_001363528.2 and 3 more transcripts); c.1950C>A, p.Ser650= (NM_001318827.2); c.1914C>A, p.Ser638= (NM_001318829.2); c.1461C>A, p.Ser487= (NM_001318831.2); c.2094C>A, p.Ser698= (NM_001318832.2).
Identifiers: ClinVar variation 698035 (VCV000698035.13), dbSNP rs1596344926, ClinGen allele CA493042622.